The following is an entry in ClinVar:

NM_001042492.3(NF1):c.689A>G (p.Glu230Gly)

Gene: NF1 (neurofibromin 1; plus strand). Cytogenetic location: 17q11.2.
Variant type: single nucleotide variant.
Coding change: c.689A>G on transcript NM_001042492.3 (MANE Select); coding-DNA position 689, A replaced by G.
Protein change: p.Glu230Gly; replaces glutamic acid 230 with glycine.
Molecular consequence: missense variant.
Genome position (GRCh38, 1-based): chr17:31,181,744, A>G. VCF-style: chr17-31181744-A-G. GRCh37 (hg19) VCF-style: chr17-29508762-A-G.
Other names: c.689A>G, p.Glu230Gly (NM_000267.4, NM_001128147.3); short protein forms E230G.
Identifiers: ClinVar variation 1756025 (VCV001756025.2), dbSNP rs2143777864, ClinGen allele CA398989950.
Genomic context (GRCh38, chr17:31,181,744, plus strand): 5'-AAAGACATGTGGTTCTTTATTTATAGGCATTTTGGAACTGGGTAGAAAATTATCCAGATG[A>G]ATTTACAAAACTGTACCAGATCCCACAGACTGATATGGCTGGTAAGGATACGATTGATTT-3'
Protein context (NP_001035957.1, residues 220-240): FWNWVENYPD[Glu230Gly]FTKLYQIPQT

ClinVar aggregate classification (germline): Uncertain significance (1 of 4 stars; one submission).

Conditions:
Cardiovascular phenotype. Identifiers: MedGen CN230736.
Hereditary cancer-predisposing syndrome. Also called: Neoplastic Syndromes, Hereditary; Tumor predisposition; Hereditary Cancer Syndrome; Hereditary neoplastic syndrome. Identifiers: Orphanet 140162, MedGen C0027672, MeSH D009386, MONDO:0015356.

Submission:

Ambry Genetics
Classification: Uncertain significance for Cardiovascular phenotype; Hereditary cancer-predisposing syndrome. Last evaluated: 2022-09-28. Review status: criteria provided, single submitter. Criteria: Ambry Variant Classification Scheme 2023. Collection method: clinical testing. Allele origin: germline.
Comment: The p.E230G variant (also known as c.689A>G), located in coding exon 7 of the NF1 gene, results from an A to G substitution at nucleotide position 689. The glutamic acid at codon 230 is replaced by glycine, an amino acid with similar properties. This amino acid position is conserved. In addition, this alteration is predicted to be deleterious by in silico analysis. Since supporting evidence is limited at this time, the clinical significance of this alteration remains unclear.